The following is an entry in ClinVar:

NM_000218.3(KCNQ1):c.*742G>A

Genes: KCNQ1 (potassium voltage-gated channel subfamily Q member 1; plus strand), KCNQ1-AS1 (KCNQ1 antisense RNA 1; minus strand). Cytogenetic location: 11p15.4.
Variant type: single nucleotide variant.
Coding change: c.*742G>A on transcript NM_000218.3 (MANE Select); 742 bases downstream of the stop codon, G replaced by A.
Molecular consequence: 3 prime UTR variant.
Genome position (GRCh38, 1-based): chr11:2,848,745, G>A. VCF-style: chr11-2848745-G-A. GRCh37 (hg19) VCF-style: chr11-2869975-G-A.
Other names: c.*742G>A (NM_001406836.1, NM_001406837.1, NM_001406838.1 and 2 more transcripts).
Identifiers: ClinVar variation 304259 (VCV000304259.10), dbSNP rs114844136, ClinGen allele CA040237.

ClinVar aggregate classification (germline): Benign/Likely benign. Review status: criteria provided, multiple submitters, no conflicts (2 of 4 stars). 5 submissions from 2 submitters: Benign (4); Likely benign (1). Last evaluated 2021-05-13.

Conditions:
Jervell and Lange-Nielsen syndrome 1 (JLNS1). Also called: CARDIOAUDITORY SYNDROME OF JERVELL AND LANGE-NIELSEN; DEAFNESS, CONGENITAL, AND FUNCTIONAL HEART DISEASE; PROLONGED QT INTERVAL IN EKG AND SUDDEN DEATH; SURDO-CARDIAC SYNDROME. Identifiers: Orphanet 768, Orphanet 90647, MedGen C4551509, MONDO:0024540, OMIM 220400.
Short QT syndrome type 2. Identifiers: Orphanet 51083, MedGen C1865019, MONDO:0012313, OMIM 609621.
Long QT syndrome 1 (LQT1). Identifiers: Orphanet 101016, Orphanet 768, MedGen C4551647, MONDO:0100316, OMIM 192500, MONDO:0008646.
Atrial fibrillation, familial, 3 (ATFB3). Identifiers: MedGen C1837014, MONDO:0011857, OMIM 607554.

Allele frequency attached by ClinVar (database versions not stated): ExAC 0.00195; gnomAD exomes 0.00317 and 0.00577; gnomAD 0.02240 and 0.02390; 1000 Genomes Project 0.02316; 1000 Genomes Project 30x 0.02389; TOPMed 0.02630.
gnomAD v4.1: 4,340 of 453,872 alleles (0.96%); highest among the groups gnomAD compares: African/African-American, 7.5%; 161 homozygotes.

Submissions (5):

GeneDx
Classification: Benign. Last evaluated: 2021-05-13. Review status: criteria provided, single submitter. Criteria: GeneDx Variant Classification Process June 2021. Collection method: clinical testing. Allele origin: germline. Affected: yes.

Illumina Laboratory Services, Illumina
Classification: Likely benign for Atrial fibrillation, familial, 3. Last evaluated: 2018-01-13. Review status: criteria provided, single submitter. Criteria: ICSL Variant Classification Criteria 13 December 2019. Collection method: clinical testing. Allele origin: germline.
Comment: This variant was observed in the ICSL laboratory as part of a predisposition screen in an ostensibly healthy population. It had not been previously curated by ICSL or reported in the Human Gene Mutation Database (HGMD: prior to June 1st, 2018), and was therefore a candidate for classification through an automated scoring system. Utilizing variant allele frequency, disease prevalence and penetrance estimates, and inheritance mode, an automated score was calculated to assess if this variant is too frequent to cause the disease. Based on the score and internal cut-off values, a variant classified as likely benign is not then subjected to further curation. The score for this variant resulted in a classification of likely benign for this disease.

Illumina Laboratory Services, Illumina
Classification: Benign for Jervell and Lange-Nielsen syndrome 1. Last evaluated: 2018-01-13. Review status: criteria provided, single submitter. Criteria: ICSL Variant Classification Criteria 13 December 2019. Collection method: clinical testing. Allele origin: germline.
Comment: This variant was observed in the ICSL laboratory as part of a predisposition screen in an ostensibly healthy population. It had not been previously curated by ICSL or reported in the Human Gene Mutation Database (HGMD: prior to June 1st, 2018), and was therefore a candidate for classification through an automated scoring system. Utilizing variant allele frequency, disease prevalence and penetrance estimates, and inheritance mode, an automated score was calculated to assess if this variant is too frequent to cause the disease. Based on the score and internal cut-off values, a variant classified as benign is not then subjected to further curation. The score for this variant resulted in a classification of benign for this disease.

Illumina Laboratory Services, Illumina
Classification: Benign for Long QT syndrome 1. Last evaluated: 2018-01-13. Review status: criteria provided, single submitter. Criteria: ICSL Variant Classification Criteria 13 December 2019. Collection method: clinical testing. Allele origin: germline.
Comment: the same text as in the submission from Illumina Laboratory Services, Illumina above.

Illumina Laboratory Services, Illumina
Classification: Benign for Short QT syndrome type 2. Last evaluated: 2018-01-13. Review status: criteria provided, single submitter. Criteria: ICSL Variant Classification Criteria 13 December 2019. Collection method: clinical testing. Allele origin: germline.
Comment: the same text as in the submission from Illumina Laboratory Services, Illumina above.